The following is an entry in ClinVar:

ClinVar aggregate classification (germline): Uncertain significance (1 of 4 stars; one submission).

Submission:

Labcorp Genetics (formerly Invitae), Labcorp
Classification: Uncertain significance. Last evaluated: 2022-04-16. Review status: criteria provided, single submitter. Criteria: Invitae Variant Classification Sherloc (09022015). Collection method: clinical testing. Allele origin: germline.
Comment: This variant is not present in population databases (gnomAD no frequency). This sequence change replaces aspartic acid, which is acidic and polar, with valine, which is neutral and non-polar, at codon 833 of the SI protein (p.Asp833Val). This variant has not been reported in the literature in individuals affected with SI-related conditions. In summary, the available evidence is currently insufficient to determine the role of this variant in disease. Therefore, it has been classified as a Variant of Uncertain Significance. Advanced modeling of protein sequence and biophysical properties (such as structural, functional, and spatial information, amino acid conservation, physicochemical variation, residue mobility, and thermodynamic stability) performed at Invitae indicates that this missense variant is expected to disrupt SI protein function.

NM_001041.4(SI):c.2498A>T (p.Asp833Val)

Gene: SI (sucrase-isomaltase; minus strand). Cytogenetic location: 3q26.1.
Variant type: single nucleotide variant.
Coding change: c.2498A>T on transcript NM_001041.4 (MANE Select); coding-DNA position 2498, A replaced by T.
Protein change: p.Asp833Val; replaces aspartic acid 833 with valine.
Molecular consequence: missense variant.
Genome position (GRCh38, 1-based): chr3:165,036,406, T>A on the plus strand (A>T on the coding strand, the complement: SI is on the minus strand). VCF-style: chr3-165036406-T-A. GRCh37 (hg19) VCF-style: chr3-164754194-T-A.
Other names: short protein forms D833V.
Identifiers: ClinVar variation 2097722 (VCV002097722.3), dbSNP rs1361948289, ClinGen allele CA355047458.